The following is an entry in ClinVar:

NM_000081.4(LYST):c.2919G>T (p.Leu973Phe)

Gene: LYST (lysosomal trafficking regulator; minus strand). Cytogenetic location: 1q42.3.
Variant type: single nucleotide variant.
Coding change: c.2919G>T on transcript NM_000081.4 (MANE Select); coding-DNA position 2919, G replaced by T.
Protein change: p.Leu973Phe; replaces leucine 973 with phenylalanine.
Molecular consequence: missense variant.
Genome position (GRCh38, 1-based): chr1:235,806,217, C>A on the plus strand (G>T on the coding strand, the complement: LYST is on the minus strand). VCF-style: chr1-235806217-C-A. GRCh37 (hg19) VCF-style: chr1-235969517-C-A.
Other names: p.Leu973Phe; c.2919G>T, p.Leu973Phe (NM_001301365.1); short protein forms L973F.
Identifiers: ClinVar variation 2682726 (VCV002682726.1), dbSNP rs2527076785, ClinGen allele CA344954649.

ClinVar aggregate classification (germline): Uncertain significance (1 of 4 stars; one submission).

Submission:

Mayo Clinic Laboratories, Mayo Clinic
Classification: Uncertain significance. Last evaluated: 2022-10-06. Review status: criteria provided, single submitter. Criteria: ACMG Guidelines, 2015. Collection method: clinical testing. Allele origin: germline. Observed: 1 variant allele.
Comment: BP4, PM2